The following is an entry in ClinVar:

ClinVar aggregate classification (germline): Uncertain significance. Review status: criteria provided, multiple submitters, no conflicts (2 of 4 stars). 3 submissions from 3 submitters: Uncertain significance (3). Last evaluated 2024-10-09.

Conditions:
Inborn genetic diseases. Identifiers: MedGen C0950123, MeSH D030342.

Allele frequency attached by ClinVar (database versions not stated): ExAC 0.00001; gnomAD 0.00001; gnomAD exomes 0.00002; TOPMed 0.00003.

Submissions (3):

Ambry Genetics
Classification: Uncertain significance for Inborn genetic diseases. Last evaluated: 2024-10-09. Review status: criteria provided, single submitter. Criteria: Ambry Variant Classification Scheme 2023. Collection method: clinical testing. Allele origin: germline.

Labcorp Genetics (formerly Invitae), Labcorp
Classification: Uncertain significance. Last evaluated: 2021-09-01. Review status: criteria provided, single submitter. Criteria: Invitae Variant Classification Sherloc (09022015). Collection method: clinical testing. Allele origin: germline.
Comment: This sequence change replaces isoleucine with threonine at codon 1028 of the SLC24A1 protein (p.Ile1028Thr). The isoleucine residue is weakly conserved and there is a moderate physicochemical difference between isoleucine and threonine. This variant is present in population databases (rs752719542, ExAC 0.001%). This variant has not been reported in the literature in individuals affected with SLC24A1-related conditions. Algorithms developed to predict the effect of missense changes on protein structure and function are either unavailable or do not agree on the potential impact of this missense change (SIFT: "Deleterious"; PolyPhen-2: "Possibly Damaging"; Align-GVGD: "Class C0"). In summary, the available evidence is currently insufficient to determine the role of this variant in disease. Therefore, it has been classified as a Variant of Uncertain Significance.

Blueprint Genetics
Classification: Uncertain significance. Last evaluated: 2019-08-09. Review status: criteria provided, single submitter. Criteria: ACMG Guidelines, 2015. Collection method: clinical testing. Allele origin: germline.

NM_004727.3(SLC24A1):c.3083T>C (p.Ile1028Thr)

Gene: SLC24A1 (solute carrier family 24 member 1; plus strand). Cytogenetic location: 15q22.31.
Variant type: single nucleotide variant.
Coding change: c.3083T>C on transcript NM_004727.3 (MANE Select); coding-DNA position 3083, T replaced by C.
Protein change: p.Ile1028Thr; replaces isoleucine 1028 with threonine.
Molecular consequence: missense variant. On other transcripts: intron variant (1).
Genome position (GRCh38, 1-based): chr15:65,653,862, T>C. VCF-style: chr15-65653862-T-C. GRCh37 (hg19) VCF-style: chr15-65946200-T-C.
Other names: c.3083T>C (NM_004727.2); c.1064T>C, p.Ile355Thr (NM_001254740.2); c.2993T>C, p.Ile998Thr (NM_001301031.1); c.3029T>C, p.Ile1010Thr (NM_001301032.1); c.2996+1054T>C (NM_001301033.2); short protein forms I1028T, I1010T, I355T, I998T.
Identifiers: ClinVar variation 1441146 (VCV001441146.7), dbSNP rs752719542, ClinGen allele CA7620322.